The following is an entry in ClinVar:

ClinVar aggregate classification (germline): Benign/Likely benign. Review status: criteria provided, multiple submitters, no conflicts (2 of 4 stars). 3 submissions from 3 submitters: Benign (1); Likely benign (2). Last evaluated 2025-05-01.

Conditions:
Cerebellar-facial-dental syndrome. Also called: Cerebellofaciodental syndrome. Identifiers: Orphanet 444072, MedGen C4015495, MONDO:0014529, OMIM 616202.

Allele frequency attached by ClinVar (database versions not stated): gnomAD 0.00218 and 0.00221; TOPMed 0.00240; 1000 Genomes Project 0.00260; 1000 Genomes Project 30x 0.00265; ESP Exome Variant Server 0.00331.
gnomAD v4.1: 6,046 of 1,611,592 alleles (0.38%); highest among the groups gnomAD compares: South Asian, 0.55%; 29 homozygotes.

Submissions (3):

CeGaT Center for Human Genetics Tuebingen
Classification: Likely benign. Last evaluated: 2025-05-01. Review status: criteria provided, single submitter. Criteria: CeGaT Center For Human Genetics Tuebingen Variant Classification Criteria Version 2. Collection method: clinical testing. Allele origin: germline. Affected: yes. Observed: 18 variant alleles.
Comment: BRF1: BP4, BP7, BS2

Fulgent Genetics
Classification: Likely benign for Cerebellar-facial-dental syndrome. Last evaluated: 2022-03-28. Review status: criteria provided, single submitter. Criteria: ACMG Guidelines, 2015. Collection method: clinical testing. Allele origin: unknown.

Labcorp Genetics (formerly Invitae), Labcorp
Classification: Benign. Last evaluated: 2019-12-31. Review status: criteria provided, single submitter. Criteria: Invitae Variant Classification Sherloc (09022015). Collection method: clinical testing. Allele origin: germline.

NM_001519.4(BRF1):c.549G>A (p.Pro183=)

Gene: BRF1 (BRF1 general transcription factor IIIB subunit; minus strand). Cytogenetic location: 14q32.33.
Variant type: single nucleotide variant.
Coding change: c.549G>A on transcript NM_001519.4 (MANE Select); coding-DNA position 549, G replaced by A.
Protein change: p.Pro183=; no amino-acid change (proline 183 retained).
Molecular consequence: synonymous variant. On other transcripts: 5 prime UTR variant (1), intron variant (1).
Genome position (GRCh38, 1-based): chr14:105,241,410, C>T on the plus strand (G>A on the coding strand, the complement: BRF1 is on the minus strand). VCF-style: chr14-105241410-C-T. GRCh37 (hg19) VCF-style: chr14-105707747-C-T.
Other names: c.204G>A, p.Pro68= (NM_001242786.2, NM_001242787.2); c.468G>A, p.Pro156= (NM_001242788.2); c.-64G>A (NM_145685.3); c.-21+7739G>A (NM_001242789.2).
Identifiers: ClinVar variation 770430 (VCV000770430.39), dbSNP rs144658695, ClinGen allele CA7387633.